The following is an entry in ClinVar:

GRCh38/hg38 5p15.33(chr5:470447-496067)x3

Genes: SLC9A3 (solute carrier family 9 member A3), SLC9A3-AS1 (SLC9A3 antisense RNA 1; plus strand), SLC9A3-OT1 (SLC9A3 3' UTR overlapping transcript 1; minus strand), LOC132089273 (Neanderthal introgressed variant-containing enhancer experimental_85959; plus strand). Cytogenetic location: 5p15.33.
Variant type: copy number gain.
Change: copy number 3 (three copies instead of two) of chr5:470,447-496,067 (25.6 kb, GRCh38 coordinates, 1-based), cytogenetic band 5p15.33.
Identifiers: ClinVar variation 145717 (VCV000145717.1).

ClinVar aggregate classification (germline): Benign/Likely benign (0 of 4 stars; one submission).

Submission:

GeneDx
Classification: Benign/Likely benign. Last evaluated: 2011-04-30. Review status: no assertion criteria provided. Collection method: clinical testing. Allele origin: not provided. Affected: yes. Observed: 3 variant alleles. Clinical features observed: Developmental delay AND/OR other significant developmental or morphological phenotypes.
Comment: Likely benign (2), Benign (1)